The following is an entry in ClinVar:

ClinVar aggregate classification (germline): Conflicting classifications of pathogenicity. Review status: criteria provided, conflicting classifications (1 of 4 stars). 2 submissions from 2 submitters: Uncertain significance (1); Likely benign (1). Last evaluated 2022-08-04.

Conditions:
Inborn genetic diseases. Identifiers: MedGen C0950123, MeSH D030342.

Allele frequency attached by ClinVar (database versions not stated): TOPMed 0.00001; gnomAD 0.00003.
gnomAD v4.1: 27 of 1,614,084 alleles (0.0017%); highest among the groups gnomAD compares: Admixed American, 0.0083%; no homozygotes.

Submissions (2):

Women's Health and Genetics/Laboratory Corporation of America, LabCorp
Classification: Uncertain significance. Last evaluated: 2022-08-04. Review status: criteria provided, single submitter. Criteria: LabCorp Variant Classification Summary - May 2015. Collection method: clinical testing. Allele origin: germline.
Comment: Variant summary: RORA c.196+51343A>G is located at a position not widely known to affect splicing. Several computational tools predict a significant impact on normal splicing: Three predict the variant creates a 5' donor site. However, these predictions have yet to be confirmed by functional studies. In a different transcript, the variant results in a missense change (NM_134260.3, c.61A>G, p.I21V). The variant allele was found at a frequency of 8e-06 in 251398 control chromosomes. The available data on variant occurrences in the general population are insufficient to allow any conclusion about variant significance. To our knowledge, no occurrence of this variant in individuals affected with Intellectual Developmental Disorder With Or Without Epilepsy Or Cerebellar Ataxia and no experimental evidence demonstrating its impact on protein function have been reported. No clinical diagnostic laboratories have submitted clinical-significance assessments for this variant to ClinVar after 2014. Based on the evidence outlined above, the variant was classified as uncertain significance.

Ambry Genetics
Classification: Likely benign for Inborn genetic diseases. Last evaluated: 2022-07-19. Review status: criteria provided, single submitter. Criteria: Ambry Variant Classification Scheme 2023. Collection method: clinical testing. Allele origin: germline.

NM_134261.3(RORA):c.196+51343A>G

Genes: RORA (RAR related orphan receptor A; minus strand), RORA-AS1 (RORA antisense RNA 1; plus strand). Cytogenetic location: 15q22.2.
Variant type: single nucleotide variant.
Coding change: c.196+51343A>G on transcript NM_134261.3 (MANE Select); 51343 bases into the intron after coding-DNA position 196, A replaced by G.
Molecular consequence: intron variant. On other transcripts: missense variant (2).
Genome position (GRCh38, 1-based): chr15:60,627,314, T>C on the plus strand (A>G on the coding strand, the complement: RORA is on the minus strand). VCF-style: chr15-60627314-T-C. GRCh37 (hg19) VCF-style: chr15-60919513-T-C.
Other names: c.61A>G, p.Ile21Val (NM_002943.4, NM_134260.3); c.61A>G (NM_134260.2); short protein forms I21V.
Identifiers: ClinVar variation 1705045 (VCV001705045.4), dbSNP rs759706334, ClinGen allele CA272133677.